The following is an entry in ClinVar:

NM_005445.4(SMC3):c.587T>C (p.Ile196Thr)

Gene: SMC3 (structural maintenance of chromosomes 3; plus strand). Cytogenetic location: 10q25.2.
Variant type: single nucleotide variant.
Coding change: c.587T>C on transcript NM_005445.4 (MANE Select); coding-DNA position 587, T replaced by C.
Protein change: p.Ile196Thr; replaces isoleucine 196 with threonine.
Molecular consequence: missense variant.
Genome position (GRCh38, 1-based): chr10:110,581,962, T>C. VCF-style: chr10-110581962-T-C. GRCh37 (hg19) VCF-style: chr10-112341720-T-C.
Other names: short protein forms I196T.
Identifiers: ClinVar variation 209193 (VCV000209193.3), dbSNP rs797045070, ClinGen allele CA276168.

ClinVar aggregate classification (germline): Pathogenic/Likely pathogenic. Review status: criteria provided, multiple submitters, no conflicts (2 of 4 stars). 2 submissions from 2 submitters: Pathogenic (1); Likely pathogenic (1). Last evaluated 2023-09-18.

Conditions:
Cornelia de Lange syndrome 3 (CDLS3). Also called: SMC3-Related Cornelia de Lange Syndrome; CORNELIA DE LANGE SYNDROME 3 WITH OR WITHOUT MIDLINE BRAIN DEFECTS. Identifiers: Orphanet 199, MedGen C1853099, MONDO:0012555, OMIM 610759.

Submissions (2):

GeneDx
Classification: Pathogenic. Last evaluated: 2023-09-18. Review status: criteria provided, single submitter. Criteria: GeneDx Variant Classification Process June 2021. Collection method: clinical testing. Allele origin: germline. Affected: yes.
Comment: Not observed at significant frequency in large population cohorts (gnomAD); In silico analysis supports that this missense variant has a deleterious effect on protein structure/function; This variant is associated with the following publications: (PMID: 30158690, 26633545)

Baylor Genetics
Classification: Likely pathogenic for Cornelia de Lange syndrome 3. Last evaluated: 2014-08-30. Review status: criteria provided, single submitter. Criteria: Yang et al. 2013. Collection method: clinical testing. Allele origin: de novo. Inheritance: Autosomal dominant inheritance. Affected: yes. Observed: 1 variant allele, 1 heterozygote. Study: Adult_WES.

Literature cited by the submitters: PubMed 26633545 (cited by Baylor Genetics).